The following is an entry in ClinVar:

NM_152419.3(HGSNAT):c.1129-11_1134del

Gene: HGSNAT (heparan-alpha-glucosaminide N-acetyltransferase; plus strand). Cytogenetic location: 8p11.21.
Variant type: Deletion.
Coding change: c.1129-11_1134del on transcript NM_152419.3 (MANE Select); 11 bases into the intron before coding-DNA position 1129 through coding-DNA position 1134, 17 bases deleted (CCCCCACTCAGGAGAGG).
Molecular consequence: splice acceptor variant.
Genome position (GRCh38, 1-based): chr8:43,191,463-43,191,479, CCCCCACTCAGGAGAGG deleted; deleting any 17 consecutive bases within chr8:43,191,462-43,191,479 gives the same sequence; the c. name uses the placement nearest the transcript's 3' end. VCF-style (leftmost placement, unchanged base first): chr8-43191461-TGCCCCCACTCAGGAGAG-T. GRCh37 (hg19) VCF-style: chr8-43046604-TGCCCCCACTCAGGAGAG-T.
Other names: c.1129-11_1134del (NM_001363227.2); c.265-11_270del (NM_001363229.2); c.937-11_942del (NM_001363228.2).
Identifiers: ClinVar variation 3754315 (VCV003754315.2).

ClinVar aggregate classification (germline): Likely pathogenic (1 of 4 stars; one submission).

Conditions:
Mucopolysaccharidosis, MPS-III-C (MPS3C). Also called: SANFILIPPO SYNDROME C; MPS III C; Mucopolysaccharidosis type IIIC (Sanfilippo C); mucopolysaccharidosis type 3C; MUCOPOLYSACCHARIDOSIS, TYPE IIIC; MPS IIIC (Sanfilippo Syndrome Type C). Identifiers: Orphanet 581, Orphanet 79271, MedGen C0086649, MONDO:0009657, OMIM 252930.
Retinitis pigmentosa 73 (RP73). Identifiers: Orphanet 791, MedGen C4225287, MONDO:0014687, OMIM 616544.

Submission:

Labcorp Genetics (formerly Invitae), Labcorp
Classification: Likely pathogenic for Retinitis pigmentosa 73; Mucopolysaccharidosis, MPS-III-C. Last evaluated: 2024-02-01. Review status: criteria provided, single submitter. Criteria: Invitae Variant Classification Sherloc (09022015). Collection method: clinical testing. Allele origin: germline.
Comment: This variant results in the deletion of part of exon 12 (c.1129-11_1134del) of the HGSNAT gene. It is expected to disrupt RNA splicing. Variants that disrupt the donor or acceptor splice site typically lead to a loss of protein function (PMID: 16199547), and loss-of-function variants in HGSNAT are known to be pathogenic (PMID: 17033958, 19479962). This variant is not present in population databases (gnomAD no frequency). This variant has not been reported in the literature in individuals affected with HGSNAT-related conditions. In summary, the currently available evidence indicates that the variant is pathogenic, but additional data are needed to prove that conclusively. Therefore, this variant has been classified as Likely Pathogenic.

Literature cited by the submitters: PubMed 16199547; PubMed 17033958; PubMed 19479962.